The following is an entry in ClinVar:

ClinVar aggregate classification (germline): Uncertain significance. Review status: criteria provided, multiple submitters, no conflicts (2 of 4 stars). 5 submissions from 5 submitters: Uncertain significance (4). 1 of the submissions does not count toward it. Last evaluated 2025-08-28.

Conditions:
Peroxisome biogenesis disorder. Identifiers: Orphanet 79189, MedGen C1832200, MONDO:0019234. Disease mechanism: loss of function.
Zellweger spectrum disorders (ZS). Also called: Zellweger Spectrum Disorder; Zellweger Spectrum; Zellweger syndrome; Zellweger Spectrum Disorder (ZSD). Identifiers: Orphanet 912, MedGen C0043459, MONDO:0019609.
Inborn genetic diseases. Identifiers: MedGen C0950123, MeSH D030342.

Allele frequency attached by ClinVar (database versions not stated): ExAC below 0.00001; gnomAD 0.00003; gnomAD exomes 0.00003 and 0.00004; TOPMed 0.00003.
gnomAD v4.1: 42 of 1,537,028 alleles (0.0027%); highest among the groups gnomAD compares: Non-Finnish European, 0.0037%; no homozygotes.

Submissions (5):

Ambry Genetics
Classification: Uncertain significance for Inborn genetic diseases. Last evaluated: 2025-08-28. Review status: criteria provided, single submitter. Criteria: Ambry Variant Classification Scheme 2023. Collection method: clinical testing. Allele origin: germline.

Blueprint Genetics
Classification: Uncertain significance. Last evaluated: 2024-11-20. Review status: criteria provided, single submitter. Criteria: ACMG Guidelines, 2015. Collection method: clinical testing. Allele origin: germline.

GeneDx
Classification: Uncertain significance. Last evaluated: 2024-05-20. Review status: criteria provided, single submitter. Criteria: GeneDx Variant Classification Process June 2021. Collection method: clinical testing. Allele origin: germline. Affected: yes.
Comment: Not observed at significant frequency in large population cohorts (gnomAD); In silico analysis indicates that this missense variant does not alter protein structure/function; Has not been previously published as pathogenic or benign to our knowledge

Labcorp Genetics (formerly Invitae), Labcorp
Classification: Uncertain significance for Peroxisome biogenesis disorder. Last evaluated: 2022-07-26. Review status: criteria provided, single submitter. Criteria: Invitae Variant Classification Sherloc (09022015). Collection method: clinical testing. Allele origin: germline.
Comment: This sequence change replaces valine, which is neutral and non-polar, with methionine, which is neutral and non-polar, at codon 138 of the PEX6 protein (p.Val138Met). This variant is present in population databases (rs763313055, gnomAD 0.01%). This variant has not been reported in the literature in individuals affected with PEX6-related conditions. ClinVar contains an entry for this variant (Variation ID: 951209). Algorithms developed to predict the effect of missense changes on protein structure and function are either unavailable or do not agree on the potential impact of this missense change (SIFT: "Deleterious"; PolyPhen-2: "Possibly Damaging"; Align-GVGD: "Class C0"). In summary, the available evidence is currently insufficient to determine the role of this variant in disease. Therefore, it has been classified as a Variant of Uncertain Significance.

Natera, Inc.
Classification: Uncertain significance for Zellweger syndrome. Last evaluated: 2020-05-22. Review status: no assertion criteria provided. Collection method: clinical testing. Allele origin: germline. Not counted in ClinVar's aggregate classification.

NM_000287.4(PEX6):c.412G>A (p.Val138Met)

Gene: PEX6 (peroxisomal biogenesis factor 6; minus strand). Cytogenetic location: 6p21.1.
Variant type: single nucleotide variant.
Coding change: c.412G>A on transcript NM_000287.4 (MANE Select); coding-DNA position 412, G replaced by A.
Protein change: p.Val138Met; replaces valine 138 with methionine.
Molecular consequence: missense variant. On other transcripts: non-coding transcript variant (1).
Genome position (GRCh38, 1-based): chr6:42,978,739, C>T on the plus strand (G>A on the coding strand, the complement: PEX6 is on the minus strand). VCF-style: chr6-42978739-C-T. GRCh37 (hg19) VCF-style: chr6-42946477-C-T.
Other names: c.412G>A, p.Val138Met (NM_001316313.2); short protein forms V138M.
Identifiers: ClinVar variation 951209 (VCV000951209.7), dbSNP rs763313055, ClinGen allele CA3811621.